The following is an entry in ClinVar:

ClinVar aggregate classification (germline): Uncertain significance (1 of 4 stars; one submission).

Allele frequency attached by ClinVar (database versions not stated): gnomAD 0.00001; TOPMed 0.00001.
gnomAD v4.1: 4 of 1,614,038 alleles (0.00025%); highest among the groups gnomAD compares: Admixed American, 0.005%; no homozygotes.

Submission:

Labcorp Genetics (formerly Invitae), Labcorp
Classification: Uncertain significance. Last evaluated: 2022-11-08. Review status: criteria provided, single submitter. Criteria: Invitae Variant Classification Sherloc (09022015). Collection method: clinical testing. Allele origin: germline.
Comment: This sequence change replaces glycine, which is neutral and non-polar, with cysteine, which is neutral and slightly polar, at codon 75 of the COQ7 protein (p.Gly75Cys). This variant has not been reported in the literature in individuals affected with COQ7-related conditions. This variant is present in population databases (no rsID available, gnomAD 0.003%). In summary, the available evidence is currently insufficient to determine the role of this variant in disease. Therefore, it has been classified as a Variant of Uncertain Significance. Algorithms developed to predict the effect of missense changes on protein structure and function are either unavailable or do not agree on the potential impact of this missense change (SIFT: "Deleterious"; PolyPhen-2: "Possibly Damaging"; Align-GVGD: "Class C15").

NM_016138.5(COQ7):c.223G>T (p.Gly75Cys)

Gene: COQ7 (coenzyme Q7, hydroxylase; plus strand). Cytogenetic location: 16p12.3.
Variant type: single nucleotide variant.
Coding change: c.223G>T on transcript NM_016138.5 (MANE Select); coding-DNA position 223, G replaced by T.
Protein change: p.Gly75Cys; replaces glycine 75 with cysteine.
Molecular consequence: missense variant. On other transcripts: non-coding transcript variant (3).
Genome position (GRCh38, 1-based): chr16:19,072,077, G>T. VCF-style: chr16-19072077-G-T. GRCh37 (hg19) VCF-style: chr16-19083399-G-T.
Other names: c.109G>T, p.Gly37Cys (NM_001190983.2, NM_001370492.1, NM_001370493.1 and 2 more transcripts); c.181G>T, p.Gly61Cys (NM_001370489.1, NM_001370491.1); c.223G>T, p.Gly75Cys (NM_001370490.1); short protein forms G37C, G61C, G75C.
Identifiers: ClinVar variation 1716337 (VCV001716337.4), dbSNP rs1281143863, ClinGen allele CA394919449.